The following is an entry in ClinVar:

ClinVar aggregate classification (germline): Uncertain significance (1 of 4 stars; one submission).

Submission:

GeneDx
Classification: Uncertain significance. Last evaluated: 2025-02-05. Review status: criteria provided, single submitter. Criteria: GeneDx Variant Classification Process June 2021. Collection method: clinical testing. Allele origin: germline. Affected: yes.
Comment: Not observed at significant frequency in large population cohorts (gnomAD); In silico analysis supports that this missense variant has a deleterious effect on protein structure/function; Has not been previously published as pathogenic or benign to our knowledge; Not located in one of the three hot-spot regions of the RYR2 gene, where the majority of pathogenic missense variants occur (PMID: 19926015); This variant is associated with the following publications: (PMID: 19926015)

NM_001035.3(RYR2):c.4897C>T (p.Pro1633Ser)

Gene: RYR2 (ryanodine receptor 2; plus strand). Cytogenetic location: 1q43.
Variant type: single nucleotide variant.
Coding change: c.4897C>T on transcript NM_001035.3 (MANE Select); coding-DNA position 4897, C replaced by T.
Protein change: p.Pro1633Ser; replaces proline 1633 with serine.
Molecular consequence: missense variant.
Genome position (GRCh38, 1-based): chr1:237,610,975, C>T. VCF-style: chr1-237610975-C-T. GRCh37 (hg19) VCF-style: chr1-237774275-C-T.
Other names: short protein forms P1633S.
Identifiers: ClinVar variation 4074483 (VCV004074483.1).
Genomic context (GRCh38, chr1:237,610,975, plus strand): 5'-GAACGCCAAGGCTGGTTGGTGCAGTGTTTGGATCCTCTGCAGTTCATGTCTCTTCATATC[C>T]CTGAGGAAAACAGGTCAGCCCCAGTGAATCCCTGACATTCTGATTGGGACGCTTGGGATT-3'
Protein context (NP_001026.2, residues 1623-1643): DPLQFMSLHI[Pro1633Ser]EENRSVDILE